The following is an entry in ClinVar:

NM_001135022.2(ELMOD3):c.701C>T (p.Ala234Val)

Gene: ELMOD3 (ELMO domain containing 3; plus strand). Cytogenetic location: 2p11.2.
Variant type: single nucleotide variant.
Coding change: c.701C>T on transcript NM_001135022.2 (MANE Select); coding-DNA position 701, C replaced by T.
Protein change: p.Ala234Val; replaces alanine 234 with valine.
Molecular consequence: missense variant. On other transcripts: non-coding transcript variant (3).
Genome position (GRCh38, 1-based): chr2:85,377,437, C>T. VCF-style: chr2-85377437-C-T. GRCh37 (hg19) VCF-style: chr2-85604560-C-T.
Other names: c.701C>T, p.Ala234Val (NM_001135021.2, NM_001135023.2, NM_001329791.2 and 2 more transcripts); short protein forms A234V.
Identifiers: ClinVar variation 1407696 (VCV001407696.9), dbSNP rs779560360, ClinGen allele CA1740434.

ClinVar aggregate classification (germline): Uncertain significance. Review status: criteria provided, multiple submitters, no conflicts (2 of 4 stars). 2 submissions from 2 submitters: Uncertain significance (2). Last evaluated 2022-08-19.

Conditions:
Hearing loss, autosomal dominant 81. Also called: Deafness, autosomal dominant 81. Identifiers: MedGen C5561972, MONDO:0030549, OMIM 619500.
Autosomal recessive nonsyndromic hearing loss 88. Also called: Deafness, autosomal recessive 88. Identifiers: Orphanet 90636, MedGen C2829267, MONDO:0014182, OMIM 615429.

Allele frequency attached by ClinVar (database versions not stated): gnomAD exomes 0.00001 and 0.00002; ExAC 0.00002; TOPMed 0.00002; gnomAD 0.00003.
gnomAD v4.1: 16 of 1,609,456 alleles (0.00099%); highest among the groups gnomAD compares: South Asian, 0.0022%; no homozygotes.

Submissions (2):

Labcorp Genetics (formerly Invitae), Labcorp
Classification: Uncertain significance. Last evaluated: 2022-08-19. Review status: criteria provided, single submitter. Criteria: Invitae Variant Classification Sherloc (09022015). Collection method: clinical testing. Allele origin: germline.
Comment: This sequence change replaces alanine, which is neutral and non-polar, with valine, which is neutral and non-polar, at codon 234 of the ELMOD3 protein (p.Ala234Val). This variant is present in population databases (rs779560360, gnomAD 0.004%). This variant has not been reported in the literature in individuals affected with ELMOD3-related conditions. ClinVar contains an entry for this variant (Variation ID: 1407696). Algorithms developed to predict the effect of missense changes on protein structure and function are either unavailable or do not agree on the potential impact of this missense change (SIFT: "Deleterious"; PolyPhen-2: "Probably Damaging"; Align-GVGD: "Class C0"). In summary, the available evidence is currently insufficient to determine the role of this variant in disease. Therefore, it has been classified as a Variant of Uncertain Significance.

Fulgent Genetics
Classification: Uncertain significance for Autosomal recessive nonsyndromic hearing loss 88; Hearing loss, autosomal dominant 81. Last evaluated: 2021-07-15. Review status: criteria provided, single submitter. Criteria: ACMG Guidelines, 2015. Collection method: clinical testing. Allele origin: unknown.